The following is an entry in ClinVar:

NM_014714.4(IFT140):c.2439G>A (p.Lys813=)

Gene: IFT140 (intraflagellar transport 140; minus strand). Cytogenetic location: 16p13.3.
Variant type: single nucleotide variant.
Coding change: c.2439G>A on transcript NM_014714.4 (MANE Select); coding-DNA position 2439, G replaced by A.
Protein change: p.Lys813=; no amino-acid change (lysine 813 retained).
Molecular consequence: synonymous variant.
Genome position (GRCh38, 1-based): chr16:1,526,757, C>T on the plus strand (G>A on the coding strand, the complement: IFT140 is on the minus strand). VCF-style: chr16-1526757-C-T. GRCh37 (hg19) VCF-style: chr16-1576758-C-T.
Identifiers: ClinVar variation 4999554 (VCV004999554.1).
Genomic context (GRCh38, chr16:1,526,757, plus strand): 5'-GGCCCCGCGGGCATGGCCCATGTTCCCCAGGCACACCTTGGCCACGTCCAGCCGCTGGGT[C>T]TTCACGCACATGCGCGCCATGTTCTCCCAGACGGCCTCACTGTGGGCAGACGGGGGTCTG-3'
Protein context (NP_055529.2, residues 803-823): VWENMARMCV[Lys813=]TQRLDVAKVC

ClinVar aggregate classification (germline): Likely benign (1 of 4 stars; one submission).

Conditions:
IFT140-related disorder. Also called: IFT140-related condition.

gnomAD v4.1: 3 of 1,610,666 alleles (0.00019%); no homozygotes.

Submission:

PreventionGenetics, part of Exact Sciences
Classification: Likely benign for IFT140-related condition. Last evaluated: 2025-07-29. Review status: criteria provided, single submitter. Criteria: ACMG Guidelines, 2015. Collection method: clinical testing. Allele origin: germline.
Comment: This variant is classified as likely benign based on ACMG/AMP sequence variant interpretation guidelines (Richards et al. 2015 PMID: 25741868, with internal and published modifications).